The following is an entry in ClinVar:

ClinVar aggregate classification (germline): Likely benign. Review status: criteria provided, multiple submitters, no conflicts (2 of 4 stars). 3 submissions from 3 submitters: Likely benign (3). Last evaluated 2026-01-21.

Conditions:
Hereditary cancer-predisposing syndrome. Also called: Neoplastic Syndromes, Hereditary; Tumor predisposition; Hereditary neoplastic syndrome; Hereditary Cancer Syndrome. Identifiers: Orphanet 140162, MedGen C0027672, MeSH D009386, MONDO:0015356.
Hereditary breast ovarian cancer syndrome. Also called: Breast and ovarian cancer; BRCA1- and BRCA2-Associated Hereditary Breast and Ovarian Cancer; Hereditary breast and ovarian cancer; Hereditary breast and/or ovarian cancer syndrome; Hereditary breast and ovarian cancer syndrome; Hereditary breast and ovarian cancer syndrome (HBOC). Identifiers: Orphanet 145, MedGen C0677776, MeSH D061325, MONDO:0003582. Disease mechanism: loss of function.

Submissions (3):

Ambry Genetics
Classification: Likely benign for Hereditary cancer-predisposing syndrome. Last evaluated: 2026-01-21. Review status: criteria provided, single submitter. Criteria: Ambry Variant Classification Scheme 2023. Collection method: clinical testing. Allele origin: germline.

Labcorp Genetics (formerly Invitae), Labcorp
Classification: Likely benign for Hereditary breast ovarian cancer syndrome. Last evaluated: 2018-04-16. Review status: criteria provided, single submitter. Criteria: Invitae Variant Classification Sherloc (09022015). Collection method: clinical testing. Allele origin: germline.

GeneDx
Classification: Likely benign. Last evaluated: 2016-09-21. Review status: criteria provided, single submitter. Criteria: GeneDx Variant Classification (06012015). Collection method: clinical testing. Allele origin: germline. Affected: yes.
Comment: This variant is considered likely benign or benign based on one or more of the following criteria: it is a conservative change, it occurs at a poorly conserved position in the protein, it is predicted to be benign by multiple in silico algorithms, and/or has population frequency not consistent with disease.

Literature cited by the submitters: PubMed 39779848 (cited by Ambry Genetics); PubMed 39779857 (cited by Ambry Genetics).

NM_000059.4(BRCA2):c.7665A>G (p.Lys2555=)

Gene: BRCA2 (BRCA2 DNA repair associated; plus strand). Cytogenetic location: 13q13.1.
Variant type: single nucleotide variant.
Coding change: c.7665A>G on transcript NM_000059.4 (MANE Select); coding-DNA position 7665, A replaced by G.
Protein change: p.Lys2555=; no amino-acid change (lysine 2555 retained).
Molecular consequence: synonymous variant.
Genome position (GRCh38, 1-based): chr13:32,357,789, A>G. VCF-style: chr13-32357789-A-G. GRCh37 (hg19) VCF-style: chr13-32931926-A-G.
Identifiers: ClinVar variation 379100 (VCV000379100.13), dbSNP rs1057520494, ClinGen allele CA16606439.